The following is an entry in ClinVar:

ClinVar aggregate classification (germline): Uncertain significance (1 of 4 stars; one submission).

Submission:

GeneDx
Classification: Uncertain significance. Last evaluated: 2026-03-07. Review status: criteria provided, single submitter. Criteria: GeneDx Variant Classification Process June 2021. Collection method: clinical testing. Allele origin: germline.
Comment: Not observed at significant frequency in large population cohorts (gnomAD); In silico analysis supports that this missense variant has a deleterious effect on protein structure/function; Has not been previously published as pathogenic or benign to our knowledge

NM_001252102.2(KIF21B):c.432C>G (p.Ser144Arg)

Gene: KIF21B (kinesin family member 21B; minus strand). Cytogenetic location: 1q32.1.
Variant type: single nucleotide variant.
Coding change: c.432C>G on transcript NM_001252102.2 (MANE Select); coding-DNA position 432, C replaced by G.
Protein change: p.Ser144Arg; replaces serine 144 with arginine.
Molecular consequence: missense variant.
Genome position (GRCh38, 1-based): chr1:201,008,784, G>C on the plus strand (C>G on the coding strand, the complement: KIF21B is on the minus strand). VCF-style: chr1-201008784-G-C. GRCh37 (hg19) VCF-style: chr1-200977912-G-C.
Other names: c.432C>G, p.Ser144Arg (NM_001252100.2, NM_001252103.2, NM_017596.4); short protein forms S144R.
Identifiers: ClinVar variation 5008802 (VCV005008802.1).